The following is an entry in ClinVar:

NM_017950.4(CCDC40):c.3022-146G>A

Gene: CCDC40 (coiled-coil domain 40 molecular ruler complex subunit; plus strand). Cytogenetic location: 17q25.3.
Variant type: single nucleotide variant.
Coding change: c.3022-146G>A on transcript NM_017950.4 (MANE Select); 146 bases into the intron before coding-DNA position 3022, G replaced by A.
Molecular consequence: intron variant.
Genome position (GRCh38, 1-based): chr17:80,097,099, G>A. VCF-style: chr17-80097099-G-A. GRCh37 (hg19) VCF-style: chr17-78070898-G-A.
Identifiers: ClinVar variation 1706935 (VCV001706935.2), dbSNP rs114620818, ClinGen allele CA15910430.
Genomic context (GRCh38, chr17:80,097,099, plus strand): 5'-CCTGCCTTAAAGGAGCAGTGTGCAGTGTGGGCTGGCTGGGCCTGGCATCTCCCAGGCCTC[G>A]CCTCTCCAGCCCTCCCATTCCTCTTTGGGAGCCTCCCTGGATGGAGTGTGTGGAAGGTGC-3'

ClinVar aggregate classification (germline): Likely benign (1 of 4 stars; one submission).

Allele frequency attached by ClinVar (database versions not stated): gnomAD 0.00333; 1000 Genomes Project 0.00399; 1000 Genomes Project 30x 0.00453.

Submission:

GeneDx
Classification: Likely benign. Last evaluated: 2021-05-27. Review status: criteria provided, single submitter. Criteria: GeneDx Variant Classification Process June 2021. Collection method: clinical testing. Allele origin: germline. Affected: yes.
Comment: See Variant Classification Assertion Criteria.